The following is an entry in ClinVar:

ClinVar aggregate classification (germline): Uncertain significance. Review status: criteria provided, multiple submitters, no conflicts (2 of 4 stars). 2 submissions from 2 submitters: Uncertain significance (2). Last evaluated 2025-05-05.

Conditions:
Inborn genetic diseases. Identifiers: MedGen C0950123, MeSH D030342.

Allele frequency attached by ClinVar (database versions not stated): gnomAD 0.00001.

Submissions (2):

Ambry Genetics
Classification: Uncertain significance for Inborn genetic diseases. Last evaluated: 2025-05-05. Review status: criteria provided, single submitter. Criteria: Ambry Variant Classification Scheme 2023. Collection method: clinical testing. Allele origin: germline.

Labcorp Genetics (formerly Invitae), Labcorp
Classification: Uncertain significance. Last evaluated: 2023-06-10. Review status: criteria provided, single submitter. Criteria: Invitae Variant Classification Sherloc (09022015). Collection method: clinical testing. Allele origin: germline.
Comment: This variant is present in population databases (no rsID available, gnomAD 0.004%). This sequence change replaces asparagine, which is neutral and polar, with lysine, which is basic and polar, at codon 1516 of the TCF20 protein (p.Asn1516Lys). This variant has not been reported in the literature in individuals affected with TCF20-related conditions. In summary, the available evidence is currently insufficient to determine the role of this variant in disease. Therefore, it has been classified as a Variant of Uncertain Significance. An algorithm developed to predict the effect of missense changes on protein structure and function (PolyPhen-2) suggests that this variant is likely to be tolerated.

NM_001378418.1(TCF20):c.4548C>A (p.Asn1516Lys)

Gene: TCF20 (transcription factor 20; minus strand). Cytogenetic location: 22q13.2.
Variant type: single nucleotide variant.
Coding change: c.4548C>A on transcript NM_001378418.1 (MANE Select); coding-DNA position 4548, C replaced by A.
Protein change: p.Asn1516Lys; replaces asparagine 1516 with lysine.
Molecular consequence: missense variant.
Genome position (GRCh38, 1-based): chr22:42,210,758, G>T on the plus strand (C>A on the coding strand, the complement: TCF20 is on the minus strand). VCF-style: chr22-42210758-G-T. GRCh37 (hg19) VCF-style: chr22-42606764-G-T.
Other names: c.4548C>A, p.Asn1516Lys (NM_005650.4, NM_181492.3); c.4548C>A (NM_005650.1); short protein forms N1516K.
Identifiers: ClinVar variation 2981839 (VCV002981839.4), dbSNP rs778725506, ClinGen allele CA411784098.